The following is an entry in ClinVar:

ClinVar aggregate classification (germline): Uncertain significance. Review status: criteria provided, multiple submitters, no conflicts (2 of 4 stars). 2 submissions from 2 submitters: Uncertain significance (2). Last evaluated 2023-09-29.

Allele frequency attached by ClinVar (database versions not stated): ExAC 0.00003; gnomAD exomes 0.00004; gnomAD 0.00005; TOPMed 0.00006; ESP Exome Variant Server 0.00015.
gnomAD v4.1: 70 of 1,613,804 alleles (0.0043%); highest among the groups gnomAD compares: Non-Finnish European, 0.0053%; no homozygotes.

Submissions (2):

Ambry Genetics
Classification: Uncertain significance. Last evaluated: 2023-09-29. Review status: criteria provided, single submitter. Criteria: Ambry Variant Classification Scheme 2023. Collection method: clinical testing. Allele origin: germline.

Labcorp Genetics (formerly Invitae), Labcorp
Classification: Uncertain significance. Last evaluated: 2023-04-14. Review status: criteria provided, single submitter. Criteria: Invitae Variant Classification Sherloc (09022015). Collection method: clinical testing. Allele origin: germline.
Comment: This sequence change replaces arginine, which is basic and polar, with histidine, which is basic and polar, at codon 1010 of the FAT2 protein (p.Arg1010His). In summary, the available evidence is currently insufficient to determine the role of this variant in disease. Therefore, it has been classified as a Variant of Uncertain Significance. Advanced modeling of protein sequence and biophysical properties (such as structural, functional, and spatial information, amino acid conservation, physicochemical variation, residue mobility, and thermodynamic stability) performed at Invitae indicates that this missense variant is not expected to disrupt FAT2 protein function. This variant has not been reported in the literature in individuals affected with FAT2-related conditions. This variant is present in population databases (rs375169250, gnomAD 0.007%).

NM_001447.3(FAT2):c.3029G>A (p.Arg1010His)

Gene: FAT2 (FAT atypical cadherin 2; minus strand). Cytogenetic location: 5q33.1.
Variant type: single nucleotide variant.
Coding change: c.3029G>A on transcript NM_001447.3 (MANE Select); coding-DNA position 3029, G replaced by A.
Protein change: p.Arg1010His; replaces arginine 1010 with histidine.
Molecular consequence: missense variant.
Genome position (GRCh38, 1-based): chr5:151,565,903, C>T on the plus strand (G>A on the coding strand, the complement: FAT2 is on the minus strand). VCF-style: chr5-151565903-C-T. GRCh37 (hg19) VCF-style: chr5-150945464-C-T.
Other names: c.3029G>A (NM_001447.2); short protein forms R1010H.
Identifiers: ClinVar variation 2890227 (VCV002890227.4), dbSNP rs375169250, ClinGen allele CA3521935.
Genomic context (GRCh38, chr5:151,565,903, plus strand): 5'-GGAGGGTGGAGATTCTCATTCACATCCAGGACGATCACCTCCACATGGCAGAGAGTCCTG[C>T]GGGCTAGGGGCCTCCCACCATCACTGGCCCACAGGCTCAGATTGTACCCAGCTCGCCTCT-3'
Protein context (NP_001438.1, residues 1000-1020): WASDGGRPLA[Arg1010His]RTLCHVEVIV